The following is an entry in ClinVar:

ClinVar aggregate classification (germline): Likely benign (0 of 4 stars; one submission).

Conditions:
DROSHA-related disorder. Also called: DROSHA-related condition.

Submissions (4):

PreventionGenetics, part of Exact Sciences
Classification: Likely benign for DROSHA-related condition. Last evaluated: 2024-03-20. Review status: no assertion criteria provided. Collection method: clinical testing. Allele origin: germline.
Comment: This variant is classified as likely benign based on ACMG/AMP sequence variant interpretation guidelines (Richards et al. 2015 PMID: 25741868, with internal and published modifications).

Dr. Peter K. Rogan Lab, Western University
No classification provided (evidence only). Condition: Thymoma. Review status: no classification provided. Collection method: in vitro. Allele origin: not applicable. Functional consequence: retained intron. Not counted in ClinVar's aggregate classification.

Dr. Peter K. Rogan Lab, Western University
No classification provided (evidence only). Condition: Thymoma. Review status: no classification provided. Collection method: in vitro. Allele origin: not applicable. Functional consequence: retained intron. Not counted in ClinVar's aggregate classification.

Dr. Peter K. Rogan Lab, Western University
No classification provided (evidence only). Condition: Thymoma. Review status: no classification provided. Collection method: in vitro. Allele origin: not applicable. Functional consequence: retained intron. Not counted in ClinVar's aggregate classification.

NM_001382508.1(DROSHA):c.2575-6del

Gene: DROSHA (drosha ribonuclease III; minus strand). Cytogenetic location: 5p13.3.
Variant type: Deletion.
Coding change: c.2575-6del on transcript NM_001382508.1 (MANE Select); 6 bases into the intron before coding-DNA position 2575, one base deleted (T; older notation c.2575-6delT).
Molecular consequence: intron variant.
Genome position (GRCh38, 1-based): chr5:31,451,646, A deleted on the plus strand (T on the coding strand, the reverse complement: DROSHA is on the minus strand); the first of 10 consecutive A bases (chr5:31,451,646-31,451,655); deleting any one gives the same sequence. VCF-style (leftmost placement, unchanged base first): chr5-31451645-GA-G. GRCh37 (hg19) VCF-style: chr5-31451752-GA-G.
Other names: NC_000005.9:g.31451762del; c.2575-6del (NM_013235.5); c.2464-6del (NM_001100412.2); c.2575-15del (NM_001382508.1).
Identifiers: ClinVar variation 3050641 (VCV003050641.3), dbSNP rs370437114, ClinGen allele CA3217410.